The following is an entry in ClinVar:

NM_000310.4(PPT1):c.241G>A (p.Glu81Lys)

Gene: PPT1 (palmitoyl-protein thioesterase 1; minus strand). Cytogenetic location: 1p34.2.
Variant type: single nucleotide variant.
Coding change: c.241G>A on transcript NM_000310.4 (MANE Select); coding-DNA position 241, G replaced by A.
Protein change: p.Glu81Lys; replaces glutamic acid 81 with lysine.
Molecular consequence: missense variant. On other transcripts: intron variant (1).
Genome position (GRCh38, 1-based): chr1:40,092,166, C>T on the plus strand (G>A on the coding strand, the complement: PPT1 is on the minus strand). VCF-style: chr1-40092166-C-T. GRCh37 (hg19) VCF-style: chr1-40557838-C-T.
Other names: c.241G>A, p.Glu81Lys (NM_001363695.2); c.125-2654G>A (NM_001142604.2); short protein forms E81K.
Identifiers: ClinVar variation 1994798 (VCV001994798.1), dbSNP rs2523688318, ClinGen allele CA339849385.

ClinVar aggregate classification (germline): Uncertain significance (1 of 4 stars; one submission).

Conditions:
Neuronal ceroid lipofuscinosis 1 (CLN1). Also called: CEROID LIPOFUSCINOSIS, NEURONAL, 1, VARIABLE AGE AT ONSET; PPT1-Related Neuronal Ceroid-Lipofuscinosis. Identifiers: Orphanet 228329, MedGen C1850451, MONDO:0009744, OMIM 256730.

Allele frequency attached by ClinVar (database versions not stated): gnomAD exomes below 0.00001.
gnomAD v4.1: 1 of 1,614,172 alleles (0.000062%); highest among the groups gnomAD compares: Admixed American, 0.0017%; no homozygotes.

Submission:

Labcorp Genetics (formerly Invitae), Labcorp
Classification: Uncertain significance for Neuronal ceroid lipofuscinosis 1. Last evaluated: 2022-05-15. Review status: criteria provided, single submitter. Criteria: Invitae Variant Classification Sherloc (09022015). Collection method: clinical testing. Allele origin: germline.
Comment: This sequence change replaces glutamic acid, which is acidic and polar, with lysine, which is basic and polar, at codon 81 of the PPT1 protein (p.Glu81Lys). This variant is not present in population databases (gnomAD no frequency). This variant has not been reported in the literature in individuals affected with PPT1-related conditions. Algorithms developed to predict the effect of missense changes on protein structure and function (SIFT, PolyPhen-2, Align-GVGD) all suggest that this variant is likely to be tolerated. In summary, the available evidence is currently insufficient to determine the role of this variant in disease. Therefore, it has been classified as a Variant of Uncertain Significance.